The following is an entry in ClinVar:

NM_001079668.3(NKX2-1):c.372G>A (p.Met124Ile)

Genes: NKX2-1 (NK2 homeobox 1; minus strand), SFTA3 (surfactant associated 3; minus strand). Cytogenetic location: 14q13.3.
Variant type: single nucleotide variant.
Coding change: c.372G>A on transcript NM_001079668.3 (MANE Select); coding-DNA position 372, G replaced by A.
Protein change: p.Met124Ile; replaces methionine 124 with isoleucine.
Molecular consequence: missense variant.
Genome position (GRCh38, 1-based): chr14:36,519,076, C>T on the plus strand (G>A on the coding strand, the complement: NKX2-1 is on the minus strand). VCF-style: chr14-36519076-C-T. GRCh37 (hg19) VCF-style: chr14-36988281-C-T.
Other names: c.282G>A, p.Met94Ile (NM_003317.4); short protein forms M124I, M94I.
Identifiers: ClinVar variation 1501423 (VCV001501423.8), dbSNP rs1412022525, ClinGen allele CA389460628.

ClinVar aggregate classification (germline): Uncertain significance (1 of 4 stars; one submission).

Allele frequency attached by ClinVar (database versions not stated): gnomAD exomes below 0.00001.

Submission:

Labcorp Genetics (formerly Invitae), Labcorp
Classification: Uncertain significance. Last evaluated: 2022-06-29. Review status: criteria provided, single submitter. Criteria: Invitae Variant Classification Sherloc (09022015). Collection method: clinical testing. Allele origin: germline.
Comment: In summary, the available evidence is currently insufficient to determine the role of this variant in disease. Therefore, it has been classified as a Variant of Uncertain Significance. Algorithms developed to predict the effect of missense changes on protein structure and function are either unavailable or do not agree on the potential impact of this missense change (SIFT: "Tolerated"; PolyPhen-2: "Probably Damaging"; Align-GVGD: "Class C0"). This variant has not been reported in the literature in individuals affected with NKX2-1-related conditions. This variant is not present in population databases (gnomAD no frequency). This sequence change replaces methionine, which is neutral and non-polar, with isoleucine, which is neutral and non-polar, at codon 124 of the NKX2-1 protein (p.Met124Ile).